The following is an entry in ClinVar:

NM_001079668.3(NKX2-1):c.809G>A (p.Gly270Glu)

Genes: NKX2-1 (NK2 homeobox 1; minus strand), SFTA3 (surfactant associated 3; minus strand). Cytogenetic location: 14q13.3.
Variant type: single nucleotide variant.
Coding change: c.809G>A on transcript NM_001079668.3 (MANE Select); coding-DNA position 809, G replaced by A.
Protein change: p.Gly270Glu; replaces glycine 270 with glutamic acid.
Molecular consequence: missense variant.
Genome position (GRCh38, 1-based): chr14:36,517,675, C>T on the plus strand (G>A on the coding strand, the complement: NKX2-1 is on the minus strand). VCF-style: chr14-36517675-C-T. GRCh37 (hg19) VCF-style: chr14-36986880-C-T.
Other names: c.719G>A, p.Gly240Glu (NM_003317.4); short protein forms G240E, G270E.
Identifiers: ClinVar variation 1320987 (VCV001320987.4), dbSNP rs1001194608, ClinGen allele CA258877946.

ClinVar aggregate classification (germline): Uncertain significance. Review status: criteria provided, multiple submitters, no conflicts (2 of 4 stars). 2 submissions from 2 submitters: Uncertain significance (2). Last evaluated 2023-03-08.

Allele frequency attached by ClinVar (database versions not stated): gnomAD 0.00001; gnomAD exomes 0.00001; TOPMed 0.00001.

Submissions (2):

Labcorp Genetics (formerly Invitae), Labcorp
Classification: Uncertain significance. Last evaluated: 2023-03-08. Review status: criteria provided, single submitter. Criteria: Invitae Variant Classification Sherloc (09022015). Collection method: clinical testing. Allele origin: germline.
Comment: This sequence change replaces glycine, which is neutral and non-polar, with glutamic acid, which is acidic and polar, at codon 270 of the NKX2-1 protein (p.Gly270Glu). This variant is present in population databases (no rsID available, gnomAD 0.003%). This variant has not been reported in the literature in individuals affected with NKX2-1-related conditions. ClinVar contains an entry for this variant (Variation ID: 1320987). An algorithm developed to predict the effect of missense changes on protein structure and function (PolyPhen-2) suggests that this variant¬¨‚Ä† is likely to be tolerated. In summary, the available evidence is currently insufficient to determine the role of this variant in disease. Therefore, it has been classified as a Variant of Uncertain Significance.

GeneDx
Classification: Uncertain significance. Last evaluated: 2019-08-15. Review status: criteria provided, single submitter. Criteria: GeneDx Variant Classification Process June 2021. Collection method: clinical testing. Allele origin: germline. Affected: yes.
Comment: In silico analysis, which includes protein predictors and evolutionary conservation, supports that this variant does not alter protein structure/function; Has not been previously published as pathogenic or benign to our knowledge